The following is an entry in ClinVar:

ClinVar aggregate classification (germline): Uncertain significance (1 of 4 stars; one submission).

Conditions:
Arrhythmogenic right ventricular dysplasia 9 (ARVD9). Also called: Arrhythmogenic Right Ventricular Dysplasia/Cardiomyopathy 9; ARRHYTHMOGENIC RIGHT VENTRICULAR DYSPLASIA, FAMILIAL, 9. Identifiers: MedGen C1836906, MONDO:0012180, OMIM 609040.

Submission:

Labcorp Genetics (formerly Invitae), Labcorp
Classification: Uncertain significance for Arrhythmogenic right ventricular dysplasia 9. Last evaluated: 2022-06-10. Review status: criteria provided, single submitter. Criteria: Invitae Variant Classification Sherloc (09022015). Collection method: clinical testing. Allele origin: germline.
Comment: This variant has not been reported in the literature in individuals affected with PKP2-related conditions. In summary, the available evidence is currently insufficient to determine the role of this variant in disease. Therefore, it has been classified as a Variant of Uncertain Significance. Variants that disrupt the consensus splice site are a relatively common cause of aberrant splicing (PMID: 17576681, 9536098). Algorithms developed to predict the effect of sequence changes on RNA splicing suggest that this variant may disrupt the consensus splice site. This variant is not present in population databases (gnomAD no frequency). This sequence change falls in intron 12 of the PKP2 gene. It does not directly change the encoded amino acid sequence of the PKP2 protein. It affects a nucleotide within the consensus splice site.

Literature cited by the submitters: PubMed 17576681; PubMed 9536098.

NM_001005242.3(PKP2):c.2357+6T>G

Gene: PKP2 (plakophilin 2; minus strand). Cytogenetic location: 12p11.21.
Variant type: single nucleotide variant.
Coding change: c.2357+6T>G on transcript NM_001005242.3 (MANE Select); 6 bases into the intron after coding-DNA position 2357, T replaced by G.
Molecular consequence: intron variant.
Genome position (GRCh38, 1-based): chr12:32,796,103, A>C on the plus strand (T>G on the coding strand, the complement: PKP2 is on the minus strand). VCF-style: chr12-32796103-A-C. GRCh37 (hg19) VCF-style: chr12-32949037-A-C.
Other names: c.2489+6T>G (NM_004572.4).
Identifiers: ClinVar variation 2004247 (VCV002004247.4), dbSNP rs1956118785, ClinGen allele CA2580085376.